The following is an entry in ClinVar:

NM_001106.4(ACVR2B):c.1520C>T (p.Pro507Leu)

Gene: ACVR2B (activin A receptor type 2B; plus strand). Cytogenetic location: 3p22.2.
Variant type: single nucleotide variant.
Coding change: c.1520C>T on transcript NM_001106.4 (MANE Select); coding-DNA position 1520, C replaced by T.
Protein change: p.Pro507Leu; replaces proline 507 with leucine.
Molecular consequence: missense variant.
Genome position (GRCh38, 1-based): chr3:38,483,313, C>T. VCF-style: chr3-38483313-C-T. GRCh37 (hg19) VCF-style: chr3-38524804-C-T.
Other names: short protein forms P507L.
Identifiers: ClinVar variation 4985777 (VCV004985777.1).

ClinVar aggregate classification (germline): Uncertain significance (1 of 4 stars; one submission).

Conditions:
ACVR2B-related disorder. Also called: ACVR2B-related condition.

Submission:

PreventionGenetics, part of Exact Sciences
Classification: Uncertain significance for ACVR2B-related condition. Last evaluated: 2025-01-11. Review status: criteria provided, single submitter. Criteria: ACMG Guidelines, 2015. Collection method: clinical testing. Allele origin: germline.
Comment: The ACVR2B c.1520C>T variant is predicted to result in the amino acid substitution p.Pro507Leu. To our knowledge, this variant has not been reported in the literature or in a large population database (gnomAD), indicating this variant is rare. At this time, the clinical significance of this variant is uncertain due to the absence of conclusive functional and genetic evidence.